The following is an entry in ClinVar:

NM_001166108.2(PALLD):c.808G>A (p.Ala270Thr)

Gene: PALLD (palladin, cytoskeletal associated protein; plus strand). Cytogenetic location: 4q32.3.
Variant type: single nucleotide variant.
Coding change: c.808G>A on transcript NM_001166108.2 (MANE Select); coding-DNA position 808, G replaced by A.
Protein change: p.Ala270Thr; replaces alanine 270 with threonine.
Molecular consequence: missense variant.
Genome position (GRCh38, 1-based): chr4:168,512,312, G>A. VCF-style: chr4-168512312-G-A. GRCh37 (hg19) VCF-style: chr4-169433463-G-A.
Other names: c.808G>A, p.Ala270Thr (NM_016081.4); short protein forms A270T.
Identifiers: ClinVar variation 2447449 (VCV002447449.2), dbSNP rs2531437066, ClinGen allele CA358728421.

ClinVar aggregate classification (germline): Uncertain significance (1 of 4 stars; one submission).

Allele frequency attached by ClinVar (database versions not stated): gnomAD exomes below 0.00001.
gnomAD v4.1: 1 of 1,614,168 alleles (0.000062%); highest among the groups gnomAD compares: Non-Finnish European, 0.000085%; no homozygotes.

Submission:

Ambry Genetics
Classification: Uncertain significance. Last evaluated: 2023-02-12. Review status: criteria provided, single submitter. Criteria: Ambry Variant Classification Scheme 2023. Collection method: clinical testing. Allele origin: germline.
Comment: The p.A270T variant (also known as c.808G>A), located in coding exon 1 of the PALLD gene, results from a G to A substitution at nucleotide position 808. The alanine at codon 270 is replaced by threonine, an amino acid with similar properties. This amino acid position is conserved. In addition, this alteration is predicted to be tolerated by in silico analysis. Since supporting evidence is limited at this time, the clinical significance of this alteration remains unclear.